The following is an entry in ClinVar:

NM_017780.4(CHD7):c.2171del (p.Asn724fs)

Gene: CHD7 (chromodomain helicase DNA binding protein 7; plus strand). Cytogenetic location: 8q12.2.
Variant type: Deletion.
Coding change: c.2171del on transcript NM_017780.4 (MANE Select); coding-DNA position 2171, one base deleted (A; older notation c.2171delA).
Protein change: p.Asn724fs; shifts the reading frame from asparagine 724.
Molecular consequence: frameshift variant. On other transcripts: intron variant (1).
Genome position (GRCh38, 1-based): chr8:60,795,060, A deleted; the last of 4 consecutive A bases (chr8:60,795,057-60,795,060); deleting any one gives the same sequence. VCF-style (leftmost placement, unchanged base first): chr8-60795056-GA-G. GRCh37 (hg19) VCF-style: chr8-61707615-GA-G.
Other names: c.1716+14010del (NM_001316690.1); short protein forms N724fs.
Identifiers: ClinVar variation 817400 (VCV000817400.1), dbSNP rs1586341013, ClinGen allele CA915945708.
Genomic context (GRCh38, chr8:60,795,056, plus strand): 5'-CCTGACTCAGAAGCAAGTGCTTTGAAGAAAAAGGTCAACAAGGGAAAAACAGAAGGTTCT[GA>G]AAATTCAGACTTAGACAAAACACCCCCACCATCTCCTCCTCCTGAAGAAGATGAGGACCC-3'

ClinVar aggregate classification (germline): Pathogenic (1 of 4 stars; one submission).

Submission:

GeneDx
Classification: Pathogenic. Last evaluated: 2019-01-30. Review status: criteria provided, single submitter. Criteria: GeneDx Variant Classification (06012015). Collection method: clinical testing. Allele origin: germline. Affected: yes.
Comment: The c.2171delA variant in the CHD7 gene has not been reported previously as a pathogenic variant nor as a benign variant, to our knowledge. The c.2171delA variant causes a frameshift starting with codon Asparagine 724, changes this amino acid to a Isoleucine residue, and creates a premature Stop codon at position 4 of the new reading frame, denoted p.Asn724IlefsX4. This variant is predicted to cause loss of normal protein function either through protein truncation or nonsense-mediated mRNA decay. The c.2171delA variant is not observed in large population cohorts (Lek et al., 2016). We interpret c.2171delA as a pathogenic variant.